The following is an entry in ClinVar:

NC_000005.9:g.(?_127872075)_(127873296_?)del

Gene: FBN2 (fibrillin 2; minus strand). Cytogenetic location: 5q23.3.
Variant type: Deletion.
Identifiers: ClinVar variation 3246292 (VCV003246292.1).

ClinVar aggregate classification (germline): Uncertain significance (1 of 4 stars; one submission).

Conditions:
Congenital contractural arachnodactyly (CCA). Also called: Beals-Hecht syndrome; Arthrogryposis, distal, type 9; BEALS SYNDROME. Identifiers: Orphanet 115, MedGen C0220668, MONDO:0007363, OMIM 121050.

Submission:

Labcorp Genetics (formerly Invitae), Labcorp
Classification: Uncertain significance for Congenital contractural arachnodactyly. Last evaluated: 2023-07-12. Review status: criteria provided, single submitter. Criteria: Invitae Variant Classification Sherloc (09022015). Collection method: clinical testing. Allele origin: unknown.
Comment: In summary, the available evidence is currently insufficient to determine the role of this variant in disease. Therefore, it has been classified as a Variant of Uncertain Significance. Experimental studies and prediction algorithms are not available or were not evaluated, and the functional significance of this variant is currently unknown. This variant has not been reported in the literature in individuals affected with FBN2-related conditions. This variant is a gross deletion of the genomic region encompassing exon(s) 1-2 of the FBN2 gene, which includes the initiator codon. This deletion extends beyond the assayed region for this gene and therefore may encompass additional genes. It is expected to result in an absent or disrupted protein product. However, the current clinical and genetic evidence is not sufficient to establish whether loss-of-function variants in FBN2 cause disease.